The following is an entry in ClinVar:

NM_033380.3(COL4A5):c.515del (p.Asn172fs)

Gene: COL4A5 (collagen type IV alpha 5 chain; plus strand). Cytogenetic location: Xq22.3.
Variant type: Deletion.
Coding change: c.515del on transcript NM_033380.3 (MANE Select); coding-DNA position 515, one base deleted (A; older notation c.515delA).
Protein change: p.Asn172fs; shifts the reading frame from asparagine 172.
Molecular consequence: frameshift variant.
Genome position (GRCh38, 1-based): chrX:108,573,623, A deleted; the last of 2 consecutive A bases (chrX:108,573,622-108,573,623); deleting either gives the same sequence. VCF-style (leftmost placement, unchanged base first): chrX-108573621-TA-T. GRCh37 (hg19) VCF-style: chrX-107816851-TA-T.
Other names: c.515del, p.Asn172fs (NM_000495.5); short protein forms N172fs.
Identifiers: ClinVar variation 1724786 (VCV001724786.2), dbSNP rs2524216795, ClinGen allele CA2580100246.

ClinVar aggregate classification (germline): Likely pathogenic (1 of 4 stars; one submission).

Conditions:
X-linked Alport syndrome (ATS1). Also called: COL4A5-Related Nephropathy; NEPHROPATHY AND DEAFNESS, X-LINKED. Identifiers: Orphanet 63, Orphanet 88917, MedGen C4746986, MONDO:0010520, OMIM 301050.

Submission:

Myriad Genetics, Inc.
Classification: Likely pathogenic for X-linked Alport syndrome. Last evaluated: 2022-02-27. Review status: criteria provided, single submitter. Criteria: Myriad Women's Health Autosomal Recessive and X-Linked Classification Criteria (2021). Collection method: clinical testing. Allele origin: unknown.
Comment: NM_000495.4(COL4A5):c.515delA(N172Ifs*31) is expected to be pathogenic in the context of X-linked Alport syndrome. This variant is predicted to lead to an abnormal or absent protein product due to the creation of a premature termination codon in COL4A5, a gene where loss-of-function variants are known to be pathogenic. Please note: this variant was assessed in the context of healthy population screening.